The following is an entry in ClinVar:

NM_018451.5(CPAP):c.2852A>G (p.Gln951Arg)

Gene: CPAP (centrosome assembly and centriole elongation protein; minus strand). Cytogenetic location: 13q12.12.
Variant type: single nucleotide variant.
Coding change: c.2852A>G on transcript NM_018451.5 (MANE Select); coding-DNA position 2852, A replaced by G.
Protein change: p.Gln951Arg; replaces glutamine 951 with arginine.
Molecular consequence: missense variant. On other transcripts: non-coding transcript variant (2).
Genome position (GRCh38, 1-based): chr13:24,899,558, T>C on the plus strand (A>G on the coding strand, the complement: CPAP is on the minus strand). VCF-style: chr13-24899558-T-C. GRCh37 (hg19) VCF-style: chr13-25473696-T-C.
Other names: short protein forms Q951R.
Identifiers: ClinVar variation 158205 (VCV000158205.59), dbSNP rs138675304, ClinGen allele CA271261.

ClinVar aggregate classification (germline): Conflicting classifications of pathogenicity. Review status: criteria provided, conflicting classifications (1 of 4 stars). 8 submissions from 7 submitters: Uncertain significance (2); Likely benign (6). Last evaluated 2026-01-06.

Conditions:
CPAP-related condition.
Seckel syndrome 4 (SCKL4). Identifiers: Orphanet 808, MedGen C3888212, MONDO:0013358, OMIM 613676.
Microcephaly 6, primary, autosomal recessive. Identifiers: Orphanet 2512, MedGen C1842109, MONDO:0012029, OMIM 608393.

Allele frequency attached by ClinVar (database versions not stated): gnomAD 0.00021 and 0.00038; TOPMed 0.00026; ESP Exome Variant Server 0.00038; gnomAD exomes 0.00056 and 0.00084; 1000 Genomes Project 0.00060; 1000 Genomes Project 30x 0.00062; ExAC 0.00096.
gnomAD v4.1: 883 of 1,613,910 alleles (0.055%); highest among the groups gnomAD compares: South Asian, 0.51%; 7 homozygotes.

Submissions (8):

Labcorp Genetics (formerly Invitae), Labcorp
Classification: Likely benign. Last evaluated: 2026-01-06. Review status: criteria provided, single submitter. Criteria: Invitae Variant Classification Sherloc (09022015). Collection method: clinical testing. Allele origin: germline.

CeGaT Center for Human Genetics Tuebingen
Classification: Likely benign. Last evaluated: 2025-08-01. Review status: criteria provided, single submitter. Criteria: CeGaT Center For Human Genetics Tuebingen Variant Classification Criteria Version 2. Collection method: clinical testing. Allele origin: germline. Affected: yes. Observed: 3 variant alleles.
Comment: CPAP: BP4, BS2

PreventionGenetics, part of Exact Sciences
Classification: Likely benign for CPAP-related condition. Last evaluated: 2024-12-09. Review status: criteria provided, single submitter. Criteria: ACMG Guidelines, 2015. Collection method: clinical testing. Allele origin: germline.
Comment: This variant is classified as likely benign based on ACMG/AMP sequence variant interpretation guidelines (Richards et al. 2015 PMID: 25741868, with internal and published modifications).

Blueprint Genetics
Classification: Likely benign. Last evaluated: 2024-10-18. Review status: criteria provided, single submitter. Criteria: ACMG Guidelines, 2015. Collection method: clinical testing. Allele origin: germline.

Illumina Laboratory Services, Illumina
Classification: Uncertain significance for Microcephaly 6, primary, autosomal recessive. Last evaluated: 2018-01-13. Review status: criteria provided, single submitter. Criteria: ICSL Variant Classification Criteria 13 December 2019. Collection method: clinical testing. Allele origin: germline.

Illumina Laboratory Services, Illumina
Classification: Likely benign for Seckel syndrome 4. Last evaluated: 2018-01-13. Review status: criteria provided, single submitter. Criteria: ICSL Variant Classification Criteria 13 December 2019. Collection method: clinical testing. Allele origin: germline.
Comment: This variant was observed in the ICSL laboratory as part of a predisposition screen in an ostensibly healthy population. It had not been previously curated by ICSL or reported in the Human Gene Mutation Database (HGMD: prior to June 1st, 2018), and was therefore a candidate for classification through an automated scoring system. Utilizing variant allele frequency, disease prevalence and penetrance estimates, and inheritance mode, an automated score was calculated to assess if this variant is too frequent to cause the disease. Based on the score and internal cut-off values, a variant classified as likely benign is not then subjected to further curation. The score for this variant resulted in a classification of likely benign for this disease.

Eurofins Ntd Llc (ga)
Classification: Likely benign. Last evaluated: 2016-03-31. Review status: criteria provided, single submitter. Criteria: EGL Classification Definitions 2015. Collection method: clinical testing. Allele origin: germline. Observed: 1 variant allele, 1 heterozygote.

Genetic Services Laboratory, University of Chicago
Classification: Uncertain significance for Microcephaly 6, primary, autosomal recessive. Last evaluated: 2014-05-02. Review status: criteria provided, single submitter. Criteria: ACMG Guidelines, 2015. Collection method: clinical testing. Allele origin: germline. Inheritance: Autosomal recessive inheritance.